The following is an entry in ClinVar:

ClinVar aggregate classification (germline): Uncertain significance (1 of 4 stars; one submission).

gnomAD v4.1: 7 of 1,612,234 alleles (0.00043%); highest among the groups gnomAD compares: African/African-American, 0.0093%; no homozygotes.

Submission:

GeneDx
Classification: Uncertain significance. Last evaluated: 2024-03-27. Review status: criteria provided, single submitter. Criteria: GeneDx Variant Classification Process June 2021. Collection method: clinical testing. Allele origin: germline. Affected: yes.
Comment: In silico analysis supports that this missense variant does not alter protein structure/function; In silico analysis suggests this variant may impact gene splicing. In the absence of RNA/functional studies, the actual effect of this sequence change is unknown.; Has not been previously published as pathogenic or benign to our knowledge

NM_001378778.1(MPDZ):c.229G>T (p.Val77Phe)

Gene: MPDZ (multiple PDZ domain crumbs cell polarity complex component; minus strand). Cytogenetic location: 9p23.
Variant type: single nucleotide variant.
Coding change: c.229G>T on transcript NM_001378778.1 (MANE Select); coding-DNA position 229, G replaced by T.
Protein change: p.Val77Phe; replaces valine 77 with phenylalanine.
Molecular consequence: missense variant.
Genome position (GRCh38, 1-based): chr9:13,224,538, C>A on the plus strand (G>T on the coding strand, the complement: MPDZ is on the minus strand). VCF-style: chr9-13224538-C-A. GRCh37 (hg19) VCF-style: chr9-13224537-C-A.
Other names: c.229G>T, p.Val77Phe (NM_001261406.2, NM_001261407.2, NM_001330637.2 and 14 more transcripts); short protein forms V77F.
Identifiers: ClinVar variation 3371759 (VCV003371759.1).